The following is an entry in ClinVar:

NM_004568.6(SERPINB6):c.1128G>A (p.Pro376=)

Gene: SERPINB6 (serpin family B member 6; minus strand). Cytogenetic location: 6p25.2.
Variant type: single nucleotide variant.
Coding change: c.1128G>A on transcript NM_004568.6 (MANE Select); coding-DNA position 1128, G replaced by A.
Protein change: p.Pro376=; no amino-acid change (proline 376 retained).
Molecular consequence: synonymous variant. On other transcripts: non-coding transcript variant (1).
Genome position (GRCh38, 1-based): chr6:2,948,301, C>T on the plus strand (G>A on the coding strand, the complement: SERPINB6 is on the minus strand). VCF-style: chr6-2948301-C-T. GRCh37 (hg19) VCF-style: chr6-2948535-C-T.
Other names: c.1140G>A, p.Pro380= (NM_001195291.3, NM_001374515.1); c.1170G>A, p.Pro390= (NM_001271822.2); c.1185G>A, p.Pro395= (NM_001271823.2); c.1128G>A, p.Pro376= (NM_001271824.2, NM_001271825.2, NM_001297699.2 and 2 more transcripts); c.996G>A, p.Pro332= (NM_001374517.1).
Identifiers: ClinVar variation 179927 (VCV000179927.6), dbSNP rs727505227, ClinGen allele CA185447.
Genomic context (GRCh38, chr6:2,948,301, plus strand): 5'-CTGTGGAGTGTCAGGGGACAGAGAGGAGAGGGGCTGCACACCAAGACTGCCCTGTCCTCA[C>T]GGAGAGGAAAAGCGGCCGCAGAAGAGAATCCCGTTGGTCTTGCTGTGCTGGATGAAGAAA-3'
Protein context (NP_004559.4, residues 366-376): GILFCGRFSS[Pro376=]

ClinVar aggregate classification (germline): Likely benign (1 of 4 stars; one submission).

Allele frequency attached by ClinVar (database versions not stated): gnomAD 0.00001 and 0.00002; ExAC 0.00002; gnomAD exomes 0.00002 and 0.00003; TOPMed 0.00002.
gnomAD v4.1: 43 of 1,613,316 alleles (0.0027%); highest among the groups gnomAD compares: East Asian, 0.031%; no homozygotes.

Submissions (2):

Laboratory for Molecular Medicine, Mass General Brigham Personalized Medicine
Classification: Likely benign. Last evaluated: 2014-08-11. Review status: criteria provided, single submitter. Criteria: LMM Criteria. Collection method: clinical testing. Allele origin: germline. Observed: 1 variant allele.
Comment: Pro376Pro in exon 8 of SERPINB6: This variant is not expected to have clinical s ignificance because it does not alter an amino acid residue and is not located w ithin the splice consensus sequence.

Dr. Peter K. Rogan Lab, Western University
No classification provided (evidence only). Condition: Cervical cancer. Review status: no classification provided. Collection method: in vitro. Allele origin: not applicable. Functional consequence: retained intron. Not counted in ClinVar's aggregate classification.